The following is an entry in ClinVar:

ClinVar aggregate classification (germline): Uncertain significance (1 of 4 stars; one submission).

Conditions:
Autosomal recessive early-onset Parkinson disease 6 (PARK6). Also called: PARKINSON DISEASE 6, EARLY-ONSET; PINK1 Type of Young-Onset Parkinson Disease; PINK1-Related Parkinson Disease; PARKINSON DISEASE 6, MODIFIER OF. Identifiers: Orphanet 2828, MedGen C1853833, MONDO:0011613, OMIM 605909.

gnomAD v4.1: 14 of 1,614,222 alleles (0.00087%); highest among the groups gnomAD compares: Non-Finnish European, 0.0011%; no homozygotes.

Submission:

Labcorp Genetics (formerly Invitae), Labcorp
Classification: Uncertain significance for Autosomal recessive early-onset Parkinson disease 6. Last evaluated: 2022-04-24. Review status: criteria provided, single submitter. Criteria: Invitae Variant Classification Sherloc (09022015). Collection method: clinical testing. Allele origin: germline.
Comment: This sequence change replaces asparagine, which is neutral and polar, with isoleucine, which is neutral and non-polar, at codon 451 of the PINK1 protein (p.Asn451Ile). This variant is present in population databases (no rsID available, gnomAD 0.0009%). This variant has not been reported in the literature in individuals affected with PINK1-related conditions. Algorithms developed to predict the effect of missense changes on protein structure and function (SIFT, PolyPhen-2, Align-GVGD) all suggest that this variant is likely to be disruptive. Algorithms developed to predict the effect of sequence changes on RNA splicing suggest that this variant may create or strengthen a splice site. In summary, the available evidence is currently insufficient to determine the role of this variant in disease. Therefore, it has been classified as a Variant of Uncertain Significance.

NM_032409.3(PINK1):c.1352A>T (p.Asn451Ile)

Genes: PINK1 (PTEN induced kinase 1; plus strand), PINK1-AS (PINK1 antisense RNA; minus strand). Cytogenetic location: 1p36.12.
Variant type: single nucleotide variant.
Coding change: c.1352A>T on transcript NM_032409.3 (MANE Select); coding-DNA position 1352, A replaced by T.
Protein change: p.Asn451Ile; replaces asparagine 451 with isoleucine.
Molecular consequence: missense variant. On other transcripts: non-coding transcript variant (1).
Genome position (GRCh38, 1-based): chr1:20,649,095, A>T. VCF-style: chr1-20649095-A-T. GRCh37 (hg19) VCF-style: chr1-20975588-A-T.
Other names: short protein forms N451I.
Identifiers: ClinVar variation 2155489 (VCV002155489.1), dbSNP rs747400197, ClinGen allele CA338838018.
Genomic context (GRCh38, chr1:20,649,095, plus strand): 5'-ACAGCAAGGCTGATGCCTGGGCAGTGGGAGCCATCGCCTATGAAATCTTCGGGCTTGTCA[A>T]TCCCTTCTACGGCCAGGGCAAGGCCCACCTTGAAAGCCGCAGCTACCAAGAGGCTCAGCT-3'
Protein context (NP_115785.1, residues 441-461): AIAYEIFGLV[Asn451Ile]PFYGQGKAHL